The following is an entry in ClinVar:

NM_033109.5(PNPT1):c.162-4A>G

Gene: PNPT1 (polyribonucleotide nucleotidyltransferase 1; minus strand). Cytogenetic location: 2p16.1.
Variant type: single nucleotide variant.
Coding change: c.162-4A>G on transcript NM_033109.5 (MANE Select); 4 bases into the intron before coding-DNA position 162, A replaced by G.
Molecular consequence: intron variant.
Genome position (GRCh38, 1-based): chr2:55,687,709, T>C on the plus strand (A>G on the coding strand, the complement: PNPT1 is on the minus strand). VCF-style: chr2-55687709-T-C. GRCh37 (hg19) VCF-style: chr2-55914844-T-C.
Identifiers: ClinVar variation 1494642 (VCV001494642.8), dbSNP rs776951007, ClinGen allele CA1668596.
Genomic context (GRCh38, chr2:55,687,709, plus strand): 5'-ACTACAGCAGAGCCATCTGCAAATCTGGCCAGCTTTCCAGAAGATATTTCTAATTTCCTG[T>C]TTAAAAATAAAAATGCAATACAAGAAGACTTAGGTCATCTGTACAATTCCTGCTTAGTAT-3'

ClinVar aggregate classification (germline): Uncertain significance (1 of 4 stars; one submission).

Allele frequency attached by ClinVar (database versions not stated): gnomAD exomes below 0.00001; ExAC 0.00001.
gnomAD v4.1: 3 of 1,600,482 alleles (0.00019%); highest among the groups gnomAD compares: Non-Finnish European, 0.00026%; no homozygotes.

Submission:

Labcorp Genetics (formerly Invitae), Labcorp
Classification: Uncertain significance. Last evaluated: 2024-01-02. Review status: criteria provided, single submitter. Criteria: Invitae Variant Classification Sherloc (09022015). Collection method: clinical testing. Allele origin: germline.
Comment: This sequence change falls in intron 1 of the PNPT1 gene. It does not directly change the encoded amino acid sequence of the PNPT1 protein. This variant is present in population databases (rs776951007, gnomAD 0.0009%). This variant has not been reported in the literature in individuals affected with PNPT1-related conditions. ClinVar contains an entry for this variant (Variation ID: 1494642). Algorithms developed to predict the effect of sequence changes on RNA splicing suggest that this variant may disrupt the consensus splice site. In summary, the available evidence is currently insufficient to determine the role of this variant in disease. Therefore, it has been classified as a Variant of Uncertain Significance.